The following is an entry in ClinVar:

ClinVar aggregate classification (germline): Likely pathogenic. Review status: criteria provided, multiple submitters, no conflicts (2 of 4 stars). 2 submissions from 2 submitters: Likely pathogenic (2). Last evaluated 2025-03-11.

Conditions:
Usher syndrome type 1B (USH1B). Also called: Usher syndrome type IB. Identifiers: MedGen C1848638, MONDO:0700087.

Allele frequency attached by ClinVar (database versions not stated): gnomAD 0.00001.
gnomAD v4.1: 1 of 1,613,378 alleles (0.000062%); highest among the groups gnomAD compares: South Asian, 0.0011%; no homozygotes.

Submissions (2):

Natera, Inc.
Classification: Likely pathogenic for Usher syndrome type 1B. Last evaluated: 2025-03-11. Review status: criteria provided, single submitter. Criteria: Natera Variant Classification Schema (03/2026). Collection method: clinical testing. Allele origin: germline.
Comment: The c.3080T>C variant in MYO7A is a missense variant predicted to cause substitution of leucine to proline at amino acid 1027. This variant is rare in the general population with a frequency below the threshold expected for the associated phenotype(s). This variant has been observed in one or more individuals affected with the associated recessive disease, as either homozygous or compound heterozygous with a second variant (PMID: 31035849, 36729443). Computational prediction algorithms indicate this variant is likely to affect gene or protein function. Given the available evidence, this variant is classified as Likely Pathogenic.

Labcorp Genetics (formerly Invitae), Labcorp
Classification: Likely pathogenic. Last evaluated: 2022-03-10. Review status: criteria provided, single submitter. Criteria: Invitae Variant Classification Sherloc (09022015). Collection method: clinical testing. Allele origin: germline.
Comment: Advanced modeling of protein sequence and biophysical properties (such as structural, functional, and spatial information, amino acid conservation, physicochemical variation, residue mobility, and thermodynamic stability) performed at Invitae indicates that this missense variant is expected to disrupt MYO7A protein function. This missense change has been observed in individual(s) with Usher syndrome (PMID: 31035849). In at least one individual the data is consistent with being in trans (on the opposite chromosome) from a pathogenic variant. This variant is not present in population databases (gnomAD no frequency). This sequence change replaces leucine, which is neutral and non-polar, with proline, which is neutral and non-polar, at codon 1027 of the MYO7A protein (p.Leu1027Pro). In summary, the currently available evidence indicates that the variant is pathogenic, but additional data are needed to prove that conclusively. Therefore, this variant has been classified as Likely Pathogenic.

Literature cited by the submitters: PubMed 31035849 (cited by Natera, Inc. and Labcorp Genetics (formerly Invitae), Labcorp); PubMed 36729443 (cited by Natera, Inc.).

NM_000260.4(MYO7A):c.3080T>C (p.Leu1027Pro)

Gene: MYO7A (myosin VIIA; plus strand). Cytogenetic location: 11q13.5.
Variant type: single nucleotide variant.
Coding change: c.3080T>C on transcript NM_000260.4 (MANE Select); coding-DNA position 3080, T replaced by C.
Protein change: p.Leu1027Pro; replaces leucine 1027 with proline.
Molecular consequence: missense variant.
Genome position (GRCh38, 1-based): chr11:77,182,126, T>C. VCF-style: chr11-77182126-T-C. GRCh37 (hg19) VCF-style: chr11-76893172-T-C.
Other names: c.3080T>C, p.Leu1027Pro (NM_001127180.2); c.3047T>C, p.Leu1016Pro (NM_001369365.1); c.3080T>C (NM_000260.3); short protein forms L1016P, L1027P.
Identifiers: ClinVar variation 2418977 (VCV002418977.7), dbSNP rs2135494876, ClinGen allele CA381944263.